The following is an entry in ClinVar:

ClinVar aggregate classification (germline): Uncertain significance (1 of 4 stars; one submission).

Conditions:
Progressive familial heart block type IB (PFHB1B). Identifiers: Orphanet 871, MedGen C1970298, MONDO:0011474, OMIM 604559.

Submission:

Labcorp Genetics (formerly Invitae), Labcorp
Classification: Uncertain significance for Progressive familial heart block type IB. Last evaluated: 2025-02-05. Review status: criteria provided, single submitter. Criteria: Invitae Variant Classification Sherloc (09022015). Collection method: clinical testing. Allele origin: germline.
Comment: This sequence change replaces leucine, which is neutral and non-polar, with proline, which is neutral and non-polar, at codon 934 of the TRPM4 protein (p.Leu934Pro). This variant is not present in population databases (gnomAD no frequency). This variant has not been reported in the literature in individuals affected with TRPM4-related conditions. ClinVar contains an entry for this variant (Variation ID: 2850628). An algorithm developed to predict the effect of missense changes on protein structure and function (PolyPhen-2) suggests that this variant is likely to be disruptive. In summary, the available evidence is currently insufficient to determine the role of this variant in disease. Therefore, it has been classified as a Variant of Uncertain Significance.

NM_017636.4(TRPM4):c.2801T>C (p.Leu934Pro)

Gene: TRPM4 (transient receptor potential cation channel subfamily M member 4; plus strand). Cytogenetic location: 19q13.33.
Variant type: single nucleotide variant.
Coding change: c.2801T>C on transcript NM_017636.4 (MANE Select); coding-DNA position 2801, T replaced by C.
Protein change: p.Leu934Pro; replaces leucine 934 with proline.
Molecular consequence: missense variant.
Genome position (GRCh38, 1-based): chr19:49,200,633, T>C. VCF-style: chr19-49200633-T-C. GRCh37 (hg19) VCF-style: chr19-49703890-T-C.
Other names: c.2366T>C, p.Leu789Pro (NM_001195227.2); c.2456T>C, p.Leu819Pro (NM_001321281.2); c.1193T>C, p.Leu398Pro (NM_001321282.2); c.2279T>C, p.Leu760Pro (NM_001321283.2); c.1739T>C, p.Leu580Pro (NM_001321285.2); short protein forms L760P, L789P, L934P, L398P, L580P, L819P.
Identifiers: ClinVar variation 2850628 (VCV002850628.3), dbSNP rs2514203405, ClinGen allele CA406811657.
Genomic context (GRCh38, chr19:49,200,633, plus strand): 5'-GAAAGGGCGGGGCCAGACTCAGCCACATCTCCCCACAGATGAAGGACGTGTTCTTCTTCC[T>C]CTTCTTCCTCGGCGTGTGGCTGGTAGCCTATGGCGTGGCCACGGAGGGGCTCCTGAGGCC-3'
Protein context (NP_060106.2, residues 924-944): SKMMKDVFFF[Leu934Pro]FFLGVWLVAY